The following is an entry in ClinVar:

NM_006977.5(ZBTB25):c.520A>G (p.Ile174Val)

Gene: ZBTB25 (zinc finger and BTB domain containing 25; minus strand). Cytogenetic location: 14q23.3.
Variant type: single nucleotide variant.
Coding change: c.520A>G on transcript NM_006977.5 (MANE Select); coding-DNA position 520, A replaced by G.
Protein change: p.Ile174Val; replaces isoleucine 174 with valine.
Molecular consequence: missense variant. On other transcripts: intron variant (1).
Genome position (GRCh38, 1-based): chr14:64,487,711, T>C on the plus strand (A>G on the coding strand, the complement: ZBTB25 is on the minus strand). VCF-style: chr14-64487711-T-C. GRCh37 (hg19) VCF-style: chr14-64954429-T-C.
Other names: c.520A>G, p.Ile174Val (NM_001304507.1, NM_001354683.2, NM_001354684.2 and 3 more transcripts); c.637A>G, p.Ile213Val (NM_001354682.2); c.173+2650A>G (NM_001304508.1); c.637A>G (NM_001354682.1); short protein forms I174V, I213V.
Identifiers: ClinVar variation 2459733 (VCV002459733.4), dbSNP rs145365297, ClinGen allele CA7227076.

ClinVar aggregate classification (germline): Uncertain significance. Review status: criteria provided, single submitter (1 of 4 stars). 2 submissions from 2 submitters: Uncertain significance (1). 1 of the submissions does not count toward it. Last evaluated 2023-02-22.

Conditions:
ZBTB25-related disorder. Also called: ZBTB25-related condition.

Allele frequency attached by ClinVar (database versions not stated): gnomAD exomes 0.00014; 1000 Genomes Project 30x 0.00016; 1000 Genomes Project 0.00020; ESP Exome Variant Server 0.00031.
gnomAD v4.1: 245 of 1,613,548 alleles (0.015%); highest among the groups gnomAD compares: Middle Eastern, 0.13%; no homozygotes.

Submissions (2):

Ambry Genetics
Classification: Uncertain significance. Last evaluated: 2023-02-22. Review status: criteria provided, single submitter. Criteria: Ambry Variant Classification Scheme 2023. Collection method: clinical testing. Allele origin: germline.

PreventionGenetics, part of Exact Sciences
Classification: Likely benign for ZBTB25-related condition. Last evaluated: 2022-04-01. Review status: no assertion criteria provided. Collection method: clinical testing. Allele origin: germline. Not counted in ClinVar's aggregate classification.
Comment: This variant is classified as likely benign based on ACMG/AMP sequence variant interpretation guidelines (Richards et al. 2015 PMID: 25741868, with internal and published modifications).